The following is an entry in ClinVar:

NM_015425.6(POLR1A):c.1546G>A (p.Glu516Lys)

Gene: POLR1A (RNA polymerase I subunit A; minus strand). Cytogenetic location: 2p11.2.
Variant type: single nucleotide variant.
Coding change: c.1546G>A on transcript NM_015425.6 (MANE Select); coding-DNA position 1546, G replaced by A.
Protein change: p.Glu516Lys; replaces glutamic acid 516 with lysine.
Molecular consequence: missense variant.
Genome position (GRCh38, 1-based): chr2:86,075,095, C>T on the plus strand (G>A on the coding strand, the complement: POLR1A is on the minus strand). VCF-style: chr2-86075095-C-T. GRCh37 (hg19) VCF-style: chr2-86302218-C-T.
Other names: short protein forms E516K.
Identifiers: ClinVar variation 2958957 (VCV002958957.3), dbSNP rs779218343, ClinGen allele CA1746311.

ClinVar aggregate classification (germline): Uncertain significance (1 of 4 stars; one submission).

Allele frequency attached by ClinVar (database versions not stated): gnomAD exomes below 0.00001; TOPMed below 0.00001; ExAC 0.00001; gnomAD 0.00003.
gnomAD v4.1: 6 of 1,612,784 alleles (0.00037%); highest among the groups gnomAD compares: African/African-American, 0.0067%; no homozygotes.

Submission:

Labcorp Genetics (formerly Invitae), Labcorp
Classification: Uncertain significance. Last evaluated: 2023-12-30. Review status: criteria provided, single submitter. Criteria: Invitae Variant Classification Sherloc (09022015). Collection method: clinical testing. Allele origin: germline.
Comment: This sequence change replaces glutamic acid, which is acidic and polar, with lysine, which is basic and polar, at codon 516 of the POLR1A protein (p.Glu516Lys). This variant is present in population databases (rs779218343, gnomAD 0.008%). This variant has not been reported in the literature in individuals affected with POLR1A-related conditions. Advanced modeling of protein sequence and biophysical properties (such as structural, functional, and spatial information, amino acid conservation, physicochemical variation, residue mobility, and thermodynamic stability) performed at Invitae indicates that this missense variant is not expected to disrupt POLR1A protein function with a negative predictive value of 80%. In summary, the available evidence is currently insufficient to determine the role of this variant in disease. Therefore, it has been classified as a Variant of Uncertain Significance.